The following is an entry in ClinVar:

NM_000742.4(CHRNA2):c.182G>A (p.Arg61Gln)

Gene: CHRNA2 (cholinergic receptor nicotinic alpha 2 subunit; minus strand). Cytogenetic location: 8p21.2.
Variant type: single nucleotide variant.
Coding change: c.182G>A on transcript NM_000742.4 (MANE Select); coding-DNA position 182, G replaced by A.
Protein change: p.Arg61Gln; replaces arginine 61 with glutamine.
Molecular consequence: missense variant. On other transcripts: 5 prime UTR variant (4).
Genome position (GRCh38, 1-based): chr8:27,469,873, C>T on the plus strand (G>A on the coding strand, the complement: CHRNA2 is on the minus strand). VCF-style: chr8-27469873-C-T. GRCh37 (hg19) VCF-style: chr8-27327390-C-T.
Other names: p.R61Q:CGG>CAG; c.182G>A, p.Arg61Gln (NM_001282455.2); c.-246G>A (NM_001347705.2); c.-291G>A (NM_001347706.2); c.-232G>A (NM_001347707.2); c.-280G>A (NM_001347708.2); short protein forms R61Q.
Identifiers: ClinVar variation 204981 (VCV000204981.16), dbSNP rs568479156, ClinGen allele CA313484.
Genomic context (GRCh38, chr8:27,469,873, plus strand): 5'-GAAGTGTTGGGCACCGGGCGCGCCCAGCGGTTGTAGCCCCGGAAGAGGTGTTTGAAGAGC[C>T]GGTCCTCAGTCTCGGTATGCGAGCCTCCCTGCGGCAATGCCGTGGGACTGGGAGAGGAGA-3'
Protein context (NP_000733.2, residues 51-71): QGGSHTETED[Arg61Gln]LFKHLFRGYN

ClinVar aggregate classification (germline): Conflicting classifications of pathogenicity. Review status: criteria provided, conflicting classifications (1 of 4 stars). 4 submissions from 4 submitters: Uncertain significance (2); Likely benign (2). Last evaluated 2024-10-22.

Conditions:
Inborn genetic diseases. Identifiers: MedGen C0950123, MeSH D030342.
Familial sleep-related hypermotor epilepsy. Also called: Autosomal Dominant Sleep-Related Hypermotor (Hyperkinetic) Epilepsy. Identifiers: Orphanet 98784, MedGen C3696898, MONDO:0000030.

Allele frequency attached by ClinVar (database versions not stated): ExAC 0.00004; gnomAD exomes 0.00004; TOPMed 0.00006; gnomAD 0.00010 and 0.00012; 1000 Genomes Project 30x 0.00016; 1000 Genomes Project 0.00020.
gnomAD v4.1: 47 of 1,614,148 alleles (0.0029%); highest among the groups gnomAD compares: African/African-American, 0.031%; no homozygotes.

Submissions (4):

Labcorp Genetics (formerly Invitae), Labcorp
Classification: Uncertain significance. Last evaluated: 2024-10-22. Review status: criteria provided, single submitter. Criteria: Invitae Variant Classification Sherloc (09022015). Collection method: clinical testing. Allele origin: germline.
Comment: This sequence change replaces arginine, which is basic and polar, with glutamine, which is neutral and polar, at codon 61 of the CHRNA2 protein (p.Arg61Gln). The frequency data for this variant in the population databases is considered unreliable, as metrics indicate poor data quality at this position in the gnomAD database. This variant has not been reported in the literature in individuals affected with CHRNA2-related conditions. ClinVar contains an entry for this variant (Variation ID: 204981). Invitae Evidence Modeling of protein sequence and biophysical properties (such as structural, functional, and spatial information, amino acid conservation, physicochemical variation, residue mobility, and thermodynamic stability) indicates that this missense variant is not expected to disrupt CHRNA2 protein function with a negative predictive value of 80%. In summary, the available evidence is currently insufficient to determine the role of this variant in disease. Therefore, it has been classified as a Variant of Uncertain Significance.

Ambry Genetics
Classification: Likely benign for Inborn genetic diseases. Last evaluated: 2023-01-23. Review status: criteria provided, single submitter. Criteria: Ambry Variant Classification Scheme 2023. Collection method: clinical testing. Allele origin: germline.

Blueprint Genetics
Classification: Uncertain significance. Last evaluated: 2022-12-15. Review status: criteria provided, single submitter. Criteria: ACMG Guidelines, 2015. Collection method: clinical testing. Allele origin: germline.

GeneDx
Classification: Likely benign. Last evaluated: 2018-11-27. Review status: criteria provided, single submitter. Criteria: GeneDx Variant Classification Process June 2021. Collection method: clinical testing. Allele origin: germline. Affected: yes.